The following is an entry in ClinVar:

ClinVar aggregate classification (germline): Likely benign. Review status: criteria provided, single submitter (1 of 4 stars). 2 submissions from 2 submitters: Likely benign (1). 1 of the submissions does not count toward it. Last evaluated 2021-09-02.

Conditions:
PPP1R21-related disorder. Also called: PPP1R21-related condition.
Inborn genetic diseases. Identifiers: MedGen C0950123, MeSH D030342.

Allele frequency attached by ClinVar (database versions not stated): ESP Exome Variant Server 0.00015; TOPMed 0.00020; gnomAD exomes 0.00023; gnomAD 0.00027; ExAC 0.00030.
gnomAD v4.1: 384 of 1,580,934 alleles (0.024%); highest among the groups gnomAD compares: Middle Eastern, 0.25%; 1 homozygote.

Submissions (2):

Ambry Genetics
Classification: Likely benign for Inborn genetic diseases. Last evaluated: 2021-09-02. Review status: criteria provided, single submitter. Criteria: Ambry Variant Classification Scheme 2023. Collection method: clinical testing. Allele origin: germline.

PreventionGenetics, part of Exact Sciences
Classification: Likely benign for PPP1R21-related condition. Last evaluated: 2023-07-06. Review status: no assertion criteria provided. Collection method: clinical testing. Allele origin: germline. Not counted in ClinVar's aggregate classification.
Comment: This variant is classified as likely benign based on ACMG/AMP sequence variant interpretation guidelines (Richards et al. 2015 PMID: 25741868, with internal and published modifications).

NM_001135629.3(PPP1R21):c.677T>C (p.Val226Ala)

Gene: PPP1R21 (protein phosphatase 1 regulatory subunit 21; plus strand). Cytogenetic location: 2p16.3.
Variant type: single nucleotide variant.
Coding change: c.677T>C on transcript NM_001135629.3 (MANE Select); coding-DNA position 677, T replaced by C.
Protein change: p.Val226Ala; replaces valine 226 with alanine.
Molecular consequence: missense variant. On other transcripts: non-coding transcript variant (1).
Genome position (GRCh38, 1-based): chr2:48,461,215, T>C. VCF-style: chr2-48461215-T-C. GRCh37 (hg19) VCF-style: chr2-48688354-T-C.
Other names: c.677T>C, p.Val226Ala (NM_001193475.2, NM_152994.5); short protein forms V226A.
Identifiers: ClinVar variation 3058374 (VCV003058374.3), dbSNP rs150896282, ClinGen allele CA1650961.